The following is an entry in ClinVar:

ClinVar aggregate classification (germline): Uncertain significance. Review status: criteria provided, multiple submitters, no conflicts (2 of 4 stars). 7 submissions from 7 submitters: Uncertain significance (6). 1 of the submissions does not count toward it. Last evaluated 2025-01-17.

Conditions:
Microcephaly, normal intelligence and immunodeficiency (NBS). Also called: IMMUNODEFICIENCY, MICROCEPHALY, AND CHROMOSOMAL INSTABILITY; SEEMANOVA SYNDROME II; Immunodeficiency, microcephaly with normal intelligence; Ataxia telangiectasia variant V1; Nijmegen breakage syndrome; Microcephaly with normal intelligence immunodeficiency and lymphoreticular malignancies. Identifiers: Orphanet 647, MedGen C0398791, MONDO:0009623, OMIM 251260.
Hereditary cancer-predisposing syndrome. Also called: Hereditary neoplastic syndrome; Neoplastic Syndromes, Hereditary; Tumor predisposition; Hereditary Cancer Syndrome. Identifiers: Orphanet 140162, MedGen C0027672, MeSH D009386, MONDO:0015356.

Allele frequency attached by ClinVar (database versions not stated): ExAC 0.00001; gnomAD exomes 0.00002; TOPMed 0.00002; gnomAD 0.00003.
gnomAD v4.1: 28 of 1,605,426 alleles (0.0017%); highest among the groups gnomAD compares: Non-Finnish European, 0.0021%; no homozygotes.

Submissions (7):

Quest Diagnostics Nichols Institute San Juan Capistrano
Classification: Uncertain significance. Last evaluated: 2025-01-17. Review status: criteria provided, single submitter. Criteria: Quest Diagnostics criteria. Collection method: clinical testing. Allele origin: unknown.
Comment: In a large scale breast cancer association study, this variant has been observed in breast cancer cases and reportedly healthy individuals (PMID: 33471991 (2021), see also LOVD). Assessment of experimental evidence regarding the effect of this variant on protein function is inconclusive (PMID: 16188882 (2005)). The frequency of this variant in the general population (Genome Aggregation Database) is uninformative in the assessment of its pathogenicity. Analysis of this variant using bioinformatics tools for the prediction of the effect of amino acid changes on protein structure and function yielded predictions that this variant is damaging. Based on the available information, we are unable to determine the clinical significance of this variant.

Labcorp Genetics (formerly Invitae), Labcorp
Classification: Uncertain significance for Microcephaly, normal intelligence and immunodeficiency. Last evaluated: 2024-11-12. Review status: criteria provided, single submitter. Criteria: Invitae Variant Classification Sherloc (09022015). Collection method: clinical testing. Allele origin: germline.
Comment: This sequence change replaces alanine, which is neutral and non-polar, with threonine, which is neutral and polar, at codon 183 of the NBN protein (p.Ala183Thr). This variant is present in population databases (rs151070415, gnomAD 0.01%). This missense change has been observed in individual(s) with breast cancer (PMID: 31512090). ClinVar contains an entry for this variant (Variation ID: 411786). An algorithm developed to predict the effect of missense changes on protein structure and function outputs the following: PolyPhen-2: "Benign". The threonine amino acid residue is found in multiple mammalian species, which suggests that this missense change does not adversely affect protein function. In summary, the available evidence is currently insufficient to determine the role of this variant in disease. Therefore, it has been classified as a Variant of Uncertain Significance.

GeneDx
Classification: Uncertain significance. Last evaluated: 2023-03-17. Review status: criteria provided, single submitter. Criteria: GeneDx Variant Classification Process June 2021. Collection method: clinical testing. Allele origin: germline. Affected: yes.
Comment: Not observed at significant frequency in large population cohorts (gnomAD); In silico analysis supports that this missense variant has a deleterious effect on protein structure/function; Observed in an individual with breast cancer (Scarpitta et al., 2019); This variant is associated with the following publications: (PMID: 24894818, 16188882, 34072463, 31512090)

Ambry Genetics
Classification: Uncertain significance for Hereditary cancer-predisposing syndrome. Last evaluated: 2023-01-12. Review status: criteria provided, single submitter. Criteria: Ambry Variant Classification Scheme 2023. Collection method: clinical testing. Allele origin: germline.
Comment: The p.A183T variant (also known as c.547G>A), located in coding exon 5 of the NBN gene, results from a G to A substitution at nucleotide position 547. The alanine at codon 183 is replaced by threonine, an amino acid with similar properties. This variant has been reported in 1/81 male breast cancer patients who had multi-gene panel testing (Scarpitta R et al. Breast Cancer Res Treat, 2019 Dec;178:557-564). This amino acid position is well conserved in available vertebrate species. In addition, this alteration is predicted to be tolerated by in silico analysis. Since supporting evidence is limited at this time, the clinical significance of this alteration remains unclear.

Genome-Nilou Lab
Classification: Uncertain significance for Microcephaly, normal intelligence and immunodeficiency. Last evaluated: 2021-11-07. Review status: criteria provided, single submitter. Criteria: ACMG Guidelines, 2015. Collection method: clinical testing. Allele origin: germline. Affected: no.

Women's Health and Genetics/Laboratory Corporation of America, LabCorp
Classification: Uncertain significance. Last evaluated: 2016-10-06. Review status: criteria provided, single submitter. Criteria: LabCorp Variant Classification Summary - May 2015. Collection method: clinical testing. Allele origin: germline.
Comment: Variant summary: The NBN c.547G>A (p.Ala183Thr) variant indicated to be located at the last amino position of the BRCT domain (via InterPro) causes a missense change involving a conserved nucleotide with 4/4 in silico tools (SNPs&GO not captured here due to low reliability index) predict a damaging outcome, although these predictions have yet to be functionally assessed. The variant of interest was observed in the large, broad control population, ExAC, with an allele frequency of 1/121276, which does not exceed the estimated maximal expected allele frequency for a pathogenic NBN variant of 1/400. The variant of interest has not, to our knowledge, been reported in affected individuals via publications and/or reputable databases/clinical diagnostic laboratories. Therefore, until additional information becomes available (ie, clinical and/or functional studies), the variant of interest has been classified as a "Variant of Uncertain Significance."

Natera, Inc.
Classification: Uncertain significance for Nijmegen breakage syndrome. Last evaluated: 2021-07-03. Review status: no assertion criteria provided. Collection method: clinical testing. Allele origin: germline. Not counted in ClinVar's aggregate classification.

Literature cited by the submitters: PubMed 31512090 (cited by 3 submitters); PubMed 33471991 (cited by Quest Diagnostics Nichols Institute San Juan Capistrano); PubMed 34072463 (cited by Quest Diagnostics Nichols Institute San Juan Capistrano); PubMed 16188882 (cited by Quest Diagnostics Nichols Institute San Juan Capistrano and Ambry Genetics).

NM_002485.5(NBN):c.547G>A (p.Ala183Thr)

Gene: NBN (nibrin; minus strand). Cytogenetic location: 8q21.3.
Variant type: single nucleotide variant.
Coding change: c.547G>A on transcript NM_002485.5 (MANE Select); coding-DNA position 547, G replaced by A.
Protein change: p.Ala183Thr; replaces alanine 183 with threonine.
Molecular consequence: missense variant.
Genome position (GRCh38, 1-based): chr8:89,978,257, C>T on the plus strand (G>A on the coding strand, the complement: NBN is on the minus strand). VCF-style: chr8-89978257-C-T. GRCh37 (hg19) VCF-style: chr8-90990485-C-T.
Other names: c.301G>A, p.Ala101Thr (NM_001024688.3); short protein forms A183T, A101T.
Identifiers: ClinVar variation 411786 (VCV000411786.29), dbSNP rs151070415, ClinGen allele CA4802945.
Genomic context (GRCh38, chr8:89,978,257, plus strand): 5'-TATATTTAAAATACATAATATACCTTTCAATTTGTGGAGGCTGCTTCTTGGACTCAACTG[C>T]TTTCAGGAATTCAGTAAAATATTCTGGCTTTACAATTGGACGTCCACAAATGAGTGCACA-3'
Protein context (NP_002476.2, residues 173-193): KPEYFTEFLK[Ala183Thr]VESKKQPPQI